The following is an entry in ClinVar:

NM_018180.3(DHX32):c.1562A>G (p.His521Arg)

Genes: BCCIP (BRCA2 and CDKN1A interacting protein; plus strand), DHX32 (DEAH-box helicase 32 (putative); minus strand). Cytogenetic location: 10q26.2.
Variant type: single nucleotide variant.
Coding change: c.1562A>G on transcript NM_018180.3 (MANE Select); coding-DNA position 1562, A replaced by G.
Protein change: p.His521Arg; replaces histidine 521 with arginine.
Molecular consequence: missense variant. On other transcripts: intron variant (2).
Genome position (GRCh38, 1-based): chr10:125,840,978, T>C on the plus strand (A>G on the coding strand, the complement: DHX32 is on the minus strand). VCF-style: chr10-125840978-T-C. GRCh37 (hg19) VCF-style: chr10-127529547-T-C.
Other names: c.775-277T>C (NM_016567.4, NM_078469.3); short protein forms H521R.
Identifiers: ClinVar variation 1923320 (VCV001923320.5), dbSNP rs1031271369, ClinGen allele CA215330916.

ClinVar aggregate classification (germline): Uncertain significance. Review status: criteria provided, multiple submitters, no conflicts (2 of 4 stars). 2 submissions from 2 submitters: Uncertain significance (2). Last evaluated 2024-03-29.

gnomAD v4.1: 11 of 1,602,756 alleles (0.00069%); highest among the groups gnomAD compares: Non-Finnish European, 0.00094%; no homozygotes.

Submissions (2):

Labcorp Genetics (formerly Invitae), Labcorp
Classification: Uncertain significance. Last evaluated: 2024-03-29. Review status: criteria provided, single submitter. Criteria: Invitae Variant Classification Sherloc (09022015). Collection method: clinical testing. Allele origin: germline.
Comment: This sequence change replaces histidine, which is basic and polar, with arginine, which is basic and polar, at codon 521 of the DHX32 protein (p.His521Arg). This variant is not present in population databases (gnomAD no frequency). This variant has not been reported in the literature in individuals affected with DHX32-related conditions. ClinVar contains an entry for this variant (Variation ID: 1923320). Algorithms developed to predict the effect of missense changes on protein structure and function output the following: SIFT: "Not Available"; PolyPhen-2: "Benign"; Align-GVGD: "Not Available". The arginine amino acid residue is found in multiple mammalian species, which suggests that this missense change does not adversely affect protein function. In summary, the available evidence is currently insufficient to determine the role of this variant in disease. Therefore, it has been classified as a Variant of Uncertain Significance.

Ambry Genetics
Classification: Uncertain significance. Last evaluated: 2022-11-21. Review status: criteria provided, single submitter. Criteria: Ambry Variant Classification Scheme 2023. Collection method: clinical testing. Allele origin: germline.